The following is an entry in ClinVar:

NM_017934.7(PHIP):c.2609C>G (p.Pro870Arg)

Gene: PHIP (PHIP subunit of CUL4-Ring ligase complex; minus strand). Cytogenetic location: 6q14.1.
Variant type: single nucleotide variant.
Coding change: c.2609C>G on transcript NM_017934.7 (MANE Select); coding-DNA position 2609, C replaced by G.
Protein change: p.Pro870Arg; replaces proline 870 with arginine.
Molecular consequence: missense variant.
Genome position (GRCh38, 1-based): chr6:78,983,046, G>C on the plus strand (C>G on the coding strand, the complement: PHIP is on the minus strand). VCF-style: chr6-78983046-G-C. GRCh37 (hg19) VCF-style: chr6-79692763-G-C.
Other names: short protein forms P870R.
Identifiers: ClinVar variation 2876326 (VCV002876326.3), dbSNP rs1426482018, ClinGen allele CA364649946.

ClinVar aggregate classification (germline): Uncertain significance (1 of 4 stars; one submission).

Allele frequency attached by ClinVar (database versions not stated): gnomAD exomes below 0.00001.
gnomAD v4.1: 5 of 1,611,584 alleles (0.00031%); highest among the groups gnomAD compares: Non-Finnish European, 0.00042%; no homozygotes.

Submission:

Labcorp Genetics (formerly Invitae), Labcorp
Classification: Uncertain significance. Last evaluated: 2022-11-19. Review status: criteria provided, single submitter. Criteria: Invitae Variant Classification Sherloc (09022015). Collection method: clinical testing. Allele origin: germline.
Comment: This sequence change replaces proline, which is neutral and non-polar, with arginine, which is basic and polar, at codon 870 of the PHIP protein (p.Pro870Arg). This variant is present in population databases (no rsID available, gnomAD 0.0009%). This variant has not been reported in the literature in individuals affected with PHIP-related conditions. Advanced modeling of protein sequence and biophysical properties (such as structural, functional, and spatial information, amino acid conservation, physicochemical variation, residue mobility, and thermodynamic stability) performed at Invitae indicates that this missense variant is not expected to disrupt PHIP protein function. In summary, the available evidence is currently insufficient to determine the role of this variant in disease. Therefore, it has been classified as a Variant of Uncertain Significance.